The following is an entry in ClinVar:

NM_002755.4(MAP2K1):c.1023-11_1023-4del

Gene: MAP2K1 (mitogen-activated protein kinase kinase 1; plus strand). Cytogenetic location: 15q22.31.
Variant type: Deletion.
Coding change: c.1023-11_1023-4del on transcript NM_002755.4 (MANE Select); 11 bases into the intron before coding-DNA position 1023 through 4 bases into the intron before coding-DNA position 1023, 8 bases deleted (CTTCCTTT; older notation c.1023-11_1023-4delCTTCCTTT).
Molecular consequence: intron variant.
Genome position (GRCh38, 1-based): chr15:66,489,707-66,489,714, CTTCCTTT deleted; deleting any 8 consecutive bases within chr15:66,489,703-66,489,714 gives the same sequence; the c. name uses the placement nearest the transcript's 3' end. VCF-style (leftmost placement, unchanged base first): chr15-66489702-TCTTTCTTC-T. GRCh37 (hg19) VCF-style: chr15-66782040-TCTTTCTTC-T.
Identifiers: ClinVar variation 2068937 (VCV002068937.4), dbSNP rs2545107712, ClinGen allele CA2580089879.

ClinVar aggregate classification (germline): Uncertain significance (1 of 4 stars; one submission).

Conditions:
RASopathy. Also called: rasopathies; Noonan spectrum disorder. Identifiers: Orphanet 536391, MedGen C5555857, MONDO:0021060.

Submission:

Labcorp Genetics (formerly Invitae), Labcorp
Classification: Uncertain significance for RASopathy. Last evaluated: 2025-04-28. Review status: criteria provided, single submitter. Criteria: Invitae Variant Classification Sherloc (09022015). Collection method: clinical testing. Allele origin: germline.
Comment: This sequence change falls in intron 9 of the MAP2K1 gene. It does not directly change the encoded amino acid sequence of the MAP2K1 protein. This variant is not present in population databases (gnomAD no frequency). This variant has not been reported in the literature in individuals affected with MAP2K1-related conditions. ClinVar contains an entry for this variant (Variation ID: 2068937). Algorithms developed to predict the effect of sequence changes on RNA splicing suggest that this variant may disrupt the consensus splice site. In summary, the available evidence is currently insufficient to determine the role of this variant in disease. Therefore, it has been classified as a Variant of Uncertain Significance.